The following is an entry in ClinVar:

ClinVar aggregate classification (germline): Uncertain significance (1 of 4 stars; one submission).

Conditions:
Cardiomyopathy (CMYO). Also called: Cardiomyopathies. Identifiers: Orphanet 167848, MedGen C0878544, MONDO:0004994, HP:0001638. Inheritance: Various modes of inheritance.

Submission:

Color Diagnostics, LLC DBA Color Health
Classification: Uncertain significance for Cardiomyopathy. Last evaluated: 2021-03-08. Review status: criteria provided, single submitter. Criteria: ACMG Guidelines, 2015. Collection method: clinical testing. Allele origin: germline.
Comment: This variant causes an A to G nucleotide substitution at the +3 position of intron 5 of the DSG2 gene. Splice prediction tools and conservation analysis are inconclusive regarding the impact of this variant on RNA splicing. To our knowledge, functional studies have not been reported for this variant. This variant has not been reported in individuals affected with cardiovascular disorders in the literature. This variant has not been identified in the general population by the Genome Aggregation Database (gnomAD). The available evidence is insufficient to determine the role of this variant in disease conclusively. Therefore, this variant is classified as a Variant of Uncertain Significance.

NM_001943.5(DSG2):c.523+3A>G

Gene: DSG2 (desmoglein 2; plus strand). Cytogenetic location: 18q12.1.
Variant type: single nucleotide variant.
Coding change: c.523+3A>G on transcript NM_001943.5 (MANE Select); 3 bases into the intron after coding-DNA position 523, A replaced by G.
Molecular consequence: intron variant.
Genome position (GRCh38, 1-based): chr18:31,521,246, A>G. VCF-style: chr18-31521246-A-G. GRCh37 (hg19) VCF-style: chr18-29101209-A-G.
Identifiers: ClinVar variation 1332102 (VCV001332102.2), dbSNP rs2144316473, ClinGen allele CA2573054644.